The following is an entry in ClinVar:

NM_004168.4(SDHA):c.1127T>C (p.Leu376Pro)

Gene: SDHA (succinate dehydrogenase complex flavoprotein subunit A; plus strand). Cytogenetic location: 5p15.33.
Variant type: single nucleotide variant.
Coding change: c.1127T>C on transcript NM_004168.4 (MANE Select); coding-DNA position 1127, T replaced by C.
Protein change: p.Leu376Pro; replaces leucine 376 with proline.
Molecular consequence: missense variant.
Genome position (GRCh38, 1-based): chr5:235,206, T>C. VCF-style: chr5-235206-T-C. GRCh37 (hg19) VCF-style: chr5-235321-T-C.
Other names: c.983T>C, p.Leu328Pro (NM_001294332.2); c.1127T>C, p.Leu376Pro (NM_001330758.2); short protein forms L376P, L328P.
Identifiers: ClinVar variation 663781 (VCV000663781.20), dbSNP rs1433477205, ClinGen allele CA359013513.

ClinVar aggregate classification (germline): Uncertain significance. Review status: criteria provided, multiple submitters, no conflicts (2 of 4 stars). 5 submissions from 5 submitters: Uncertain significance (5). Last evaluated 2025-11-02.

Conditions:
Mitochondrial complex II deficiency, nuclear type 1. Also called: SUCCINATE CoQ REDUCTASE DEFICIENCY. Identifiers: Orphanet 3208, MedGen C5700310, MONDO:0100294, OMIM 252011.
Pheochromocytoma/paraganglioma syndrome 5. Also called: Paragangliomas 5; SDHA-Related Hereditary Paraganglioma-Pheochromocytoma Syndrome. Identifiers: Orphanet 29072, MedGen C3279992, MONDO:0013602, OMIM 614165.
Hereditary cancer-predisposing syndrome. Also called: Tumor predisposition; Neoplastic Syndromes, Hereditary; Hereditary Cancer Syndrome; Hereditary neoplastic syndrome. Identifiers: Orphanet 140162, MedGen C0027672, MeSH D009386, MONDO:0015356.

Allele frequency attached by ClinVar (database versions not stated): gnomAD 0.00001; gnomAD exomes 0.00001; TOPMed 0.00001.
gnomAD v4.1: 8 of 1,613,872 alleles (0.0005%); highest among the groups gnomAD compares: East Asian, 0.0022%; no homozygotes.

Submissions (5):

Labcorp Genetics (formerly Invitae), Labcorp
Classification: Uncertain significance for Pheochromocytoma/paraganglioma syndrome 5; Mitochondrial complex II deficiency, nuclear type 1. Last evaluated: 2025-11-02. Review status: criteria provided, single submitter. Criteria: Invitae Variant Classification Sherloc (09022015). Collection method: clinical testing. Allele origin: germline.
Comment: This sequence change replaces leucine, which is neutral and non-polar, with proline, which is neutral and non-polar, at codon 376 of the SDHA protein (p.Leu376Pro). This variant is not present in population databases (gnomAD no frequency). This variant has not been reported in the literature in individuals affected with SDHA-related conditions. ClinVar contains an entry for this variant (Variation ID: 663781). Invitae Evidence Modeling of protein sequence and biophysical properties (such as structural, functional, and spatial information, amino acid conservation, physicochemical variation, residue mobility, and thermodynamic stability) has been performed for this missense variant. However, the output from this modeling did not meet the statistical confidence thresholds required to predict the impact of this variant on SDHA protein function. In summary, the available evidence is currently insufficient to determine the role of this variant in disease. Therefore, it has been classified as a Variant of Uncertain Significance.

Victorian Clinical Genetics Services, Murdoch Childrens Research Institute
Classification: Uncertain significance for Mitochondrial complex II deficiency, nuclear type 1. Last evaluated: 2025-09-15. Review status: criteria provided, single submitter. Criteria: ACMG Guidelines, 2015. Collection method: clinical testing. Allele origin: germline. Affected: yes.
Comment: This variant is classified as VUS-3A. Evidence in support of pathogenic classification: Variant is present in gnomAD <0.01 (v4: 8 heterozygote(s), 0 homozygote(s)); Missense variant predicted to be damaging by in silico tool(s) or highly conserved with a major amino acid change. Additional information: Variant is predicted to result in a missense amino acid change from Leu to Pro; This variant is heterozygous; This gene is associated with both recessive and dominant disease (OMIM); Alternative amino acid change(s) at the same position are present in gnomAD (highest allele count: v4: 1 heterozygote(s), 0 homozygote(s)); Previous evidence of pathogenicity for this variant is inconclusive. This variant has been classified as a VUS by multiple clinical laboratories in ClinVar. - No published evidence of segregation with disease has been identified for this variant; No published functional evidence has been identified for this variant; Another missense variant comparable to the one identified in this case has inconclusive previous evidence for pathogenicity. The p.(Leu376Val) variant has been classified as a VUS by a clinical laboratory in ClinVar; Variant is located in the annotated FAD binding domain (DECIPHER); Loss of function is a known mechanism of disease in this gene and is associated with SDHA-related disorders (MIM#613642, MIM#252011, MIM#619259, MIM#614165); A condition associated with this gene has incomplete penetrance. Variants in this gene are known to have reduced penetrance for paragangliomas 5 (PMID: 29978154).

Ambry Genetics
Classification: Uncertain significance for Hereditary cancer-predisposing syndrome. Last evaluated: 2024-01-09. Review status: criteria provided, single submitter. Criteria: Ambry Variant Classification Scheme 2023. Collection method: clinical testing. Allele origin: germline.
Comment: The p.L376P variant (also known as c.1127T>C), located in coding exon 9 of the SDHA gene, results from a T to C substitution at nucleotide position 1127. The leucine at codon 376 is replaced by proline, an amino acid with similar properties. This amino acid position is highly conserved in available vertebrate species. In addition, this alteration is predicted to be deleterious by in silico analysis. Since supporting evidence is limited at this time, the clinical significance of this alteration remains unclear.

Genetics and Molecular Pathology, SA Pathology
Classification: Uncertain significance for Mitochondrial complex II deficiency, nuclear type 1. Last evaluated: 2022-12-30. Review status: criteria provided, single submitter. Criteria: ACMG Guidelines, 2015. Collection method: clinical testing. Allele origin: germline. Affected: yes.

GeneDx
Classification: Uncertain significance. Last evaluated: 2022-08-09. Review status: criteria provided, single submitter. Criteria: GeneDx Variant Classification Process June 2021. Collection method: clinical testing. Allele origin: germline. Affected: yes.
Comment: Not observed in large population cohorts (gnomAD); In silico analysis supports that this missense variant has a deleterious effect on protein structure/function; Has not been previously published as pathogenic or benign to our knowledge

Literature cited by the submitters: PubMed 29978154 (cited by Victorian Clinical Genetics Services, Murdoch Childrens Research Institute).